The following is an entry in ClinVar:

NM_058180.5(C21orf58):c.876CCA[8] (p.His299dup)

Genes: C21orf58 (chromosome 21 open reading frame 58; minus strand), YBEY (ybeY metalloendoribonuclease; plus strand). Cytogenetic location: 21q22.3.
Variant type: Microsatellite.
Coding change: c.876CCA[8] on transcript NM_058180.5 (MANE Select); eight copies in a row of the 3-base unit CCA starting at c.876; the reference has seven copies in a row; one copy, 3 bases duplicated.
Protein change: p.His299dup; duplicates histidine 299.
Molecular consequence: inframe insertion.
Genome position (GRCh38, 1-based): chr21:46,302,072-46,302,074, TGG duplicated on the plus strand (CCA on the coding strand, the reverse complement: C21orf58 is on the minus strand); duplicating any 3 consecutive bases within chr21:46,302,072-46,302,094 gives the same sequence; the position shown is the placement nearest the transcript's 3' end. VCF-style (leftmost placement, unchanged base first): chr21-46302071-A-ATGG. GRCh37 (hg19) VCF-style: chr21-47721985-A-ATGG.
Other names: NM_058180.3:c.894_896dupCCA; c.558CCA[8], p.His193dup (NM_001286462.2, NM_001286463.1, NM_001286476.2 and 1 more transcripts).
Identifiers: ClinVar variation 402442 (VCV000402442.4), dbSNP rs71318063, ClinGen allele CA10077687.

ClinVar aggregate classification (germline): Benign (1 of 4 stars; one submission).

Submission:

Laboratory for Molecular Medicine, Mass General Brigham Personalized Medicine
Classification: Benign. Last evaluated: 2016-03-29. Review status: criteria provided, single submitter. Criteria: LMM Criteria. Collection method: clinical testing. Allele origin: germline.
Comment: Variant identified in a genome or exome case(s) and assessed due to predicted null impact of the variant or pathogenic assertions in the literature or databases. Disclaimer: This variant has not undergone full assessment. The following are preliminary notes: Frequency